The following is an entry in ClinVar:

ClinVar aggregate classification (germline): Uncertain significance (1 of 4 stars; one submission).

Conditions:
Pitt-Hopkins syndrome (PTHS). Also called: ENCEPHALOPATHY, SEVERE EPILEPTIC, WITH AUTONOMIC DYSFUNCTION; MENTAL RETARDATION, SYNDROMAL, WITH INTERMITTENT HYPERVENTILATION. Identifiers: Orphanet 2896, MedGen C1970431, MONDO:0012589, OMIM 610954.

Allele frequency attached by ClinVar (database versions not stated): gnomAD 0.00001; TOPMed 0.00001.
gnomAD v4.1: 1 of 1,613,706 alleles (0.000062%); highest among the groups gnomAD compares: African/African-American, 0.0013%; no homozygotes.

Submission:

Labcorp Genetics (formerly Invitae), Labcorp
Classification: Uncertain significance for Pitt-Hopkins syndrome. Last evaluated: 2022-11-16. Review status: criteria provided, single submitter. Criteria: Invitae Variant Classification Sherloc (09022015). Collection method: clinical testing. Allele origin: germline.
Comment: In summary, the available evidence is currently insufficient to determine the role of this variant in disease. Therefore, it has been classified as a Variant of Uncertain Significance. Variants that disrupt the consensus splice site are a relatively common cause of aberrant splicing (PMID: 17576681, 9536098). Algorithms developed to predict the effect of sequence changes on RNA splicing suggest that this variant may disrupt the consensus splice site. This variant has not been reported in the literature in individuals affected with TCF4-related conditions. This variant is not present in population databases (gnomAD no frequency). This sequence change falls in intron 6 of the TCF4 gene. It does not directly change the encoded amino acid sequence of the TCF4 protein. It affects a nucleotide within the consensus splice site.

Literature cited by the submitters: PubMed 17576681; PubMed 9536098.

NM_001083962.2(TCF4):c.369+4A>G

Gene: TCF4 (transcription factor 4; minus strand). Cytogenetic location: 18q21.2.
Variant type: single nucleotide variant.
Coding change: c.369+4A>G on transcript NM_001083962.2 (MANE Select); 4 bases into the intron after coding-DNA position 369, A replaced by G.
Molecular consequence: intron variant.
Genome position (GRCh38, 1-based): chr18:55,403,450, T>C on the plus strand (A>G on the coding strand, the complement: TCF4 is on the minus strand). VCF-style: chr18-55403450-T-C. GRCh37 (hg19) VCF-style: chr18-53070681-T-C.
Other names: c.675+4A>G (NM_001243226.3); c.297+4A>G (NM_001369584.1, NM_001369576.1, NM_001369577.1 and 15 more transcripts); c.369+4A>G (NM_001369571.1, NM_001369567.1, NM_001243228.2 and 8 more transcripts); c.363+4A>G (NM_001243230.2); c.243+4A>G (NM_001243231.2, NM_001348211.2); c.-19+4A>G (NM_001348212.2); c.-22+4A>G (NM_001348213.2, NM_001243233.2); c.159+4A>G (NM_001306208.1, NM_001243232.1).
Identifiers: ClinVar variation 2000241 (VCV002000241.4), dbSNP rs1221205980, ClinGen allele CA780638019.
Genomic context (GRCh38, chr18:55,403,450, plus strand): 5'-AGAAAACAAACTGATTTACCAGGTTAATCCTCTCAACCCTTCCGCAACAGAGATTCTCAC[T>C]TACCTGGTGGCAACCCTGTAAGTTTGATTCTCTCCCATAAGATGAGTATGAGCCCCTTTC-3'